The following is an entry in ClinVar:

NM_001851.6(COL9A1):c.2113-19G>A

Gene: COL9A1 (collagen type IX alpha 1 chain; minus strand). Cytogenetic location: 6q13.
Variant type: single nucleotide variant.
Coding change: c.2113-19G>A on transcript NM_001851.6 (MANE Select); 19 bases into the intron before coding-DNA position 2113, G replaced by A.
Molecular consequence: intron variant.
Genome position (GRCh38, 1-based): chr6:70,234,959, C>T on the plus strand (G>A on the coding strand, the complement: COL9A1 is on the minus strand). VCF-style: chr6-70234959-C-T. GRCh37 (hg19) VCF-style: chr6-70944662-C-T.
Other names: c.1384-366G>A (NM_001377290.1); c.1384-19G>A (NM_078485.4); c.1414-19G>A (NM_001377289.1).
Identifiers: ClinVar variation 258356 (VCV000258356.11), dbSNP rs187218937, ClinGen allele CA3881847.

ClinVar aggregate classification (germline): Benign/Likely benign. Review status: criteria provided, multiple submitters, no conflicts (2 of 4 stars). 4 submissions from 4 submitters: Benign (1); Likely benign (3). Last evaluated 2026-02-01.

Allele frequency attached by ClinVar (database versions not stated): gnomAD exomes 0.00010 and 0.00023; ExAC 0.00032; gnomAD 0.00072 and 0.00076; TOPMed 0.00085; ESP Exome Variant Server 0.00092; 1000 Genomes Project 0.00100; 1000 Genomes Project 30x 0.00109.
gnomAD v4.1: 270 of 1,614,086 alleles (0.017%); highest among the groups gnomAD compares: African/African-American, 0.27%; no homozygotes.

Submissions (4):

Labcorp Genetics (formerly Invitae), Labcorp
Classification: Benign. Last evaluated: 2026-02-01. Review status: criteria provided, single submitter. Criteria: Invitae Variant Classification Sherloc (09022015). Collection method: clinical testing. Allele origin: germline.

Blueprint Genetics
Classification: Likely benign. Last evaluated: 2024-07-11. Review status: criteria provided, single submitter. Criteria: ACMG Guidelines, 2015. Collection method: clinical testing. Allele origin: germline.

GeneDx
Classification: Likely benign. Last evaluated: 2017-04-12. Review status: criteria provided, single submitter. Criteria: GeneDx Variant Classification (06012015). Collection method: clinical testing. Allele origin: germline. Affected: yes.
Comment: This variant is considered likely benign or benign based on one or more of the following criteria: it is a conservative change, it occurs at a poorly conserved position in the protein, it is predicted to be benign by multiple in silico algorithms, and/or has population frequency not consistent with disease.

PreventionGenetics, part of Exact Sciences
Classification: Likely benign. Review status: criteria provided, single submitter. Criteria: ACMG Guidelines, 2015. Collection method: clinical testing. Allele origin: germline.